The following is an entry in ClinVar:

ClinVar aggregate classification (germline): Uncertain significance. Review status: no assertion criteria provided (0 of 4 stars). 2 submissions from 1 submitter: Uncertain significance (1). 1 of the submissions does not count toward it.

Allele frequency attached by ClinVar (database versions not stated): gnomAD exomes below 0.00001; ExAC 0.00001.
gnomAD v4.1: 5 of 1,614,122 alleles (0.00031%); highest among the groups gnomAD compares: Non-Finnish European, 0.00042%; no homozygotes.

Submissions (2):

Richard Lifton Laboratory, Yale University School of Medicine
Classification: Uncertain significance. Review status: no assertion criteria provided. Collection method: not provided. Allele origin: somatic.
Comment: PDLIM3:p.R309W
ClinVar note: Converted during submission from unknown to Uncertain significance.

Richard Lifton Laboratory, Yale University School of Medicine
Classification: Uncertain significance. Review status: flagged submission. Collection method: not provided. Allele origin: somatic. Not counted in ClinVar's aggregate classification.
ClinVar note: Converted during submission from unknown to Uncertain significance.
ClinVar note: Reason: This record appears to be redundant with a more recent record from the same submitter.
ClinVar note: Notes: SCV000120084 appears to be redundant with SCV000155188.

NM_014476.6(PDLIM3):c.925C>T (p.Arg309Trp)

Gene: PDLIM3 (PDZ and LIM domain 3; minus strand). Cytogenetic location: 4q35.1.
Variant type: single nucleotide variant.
Coding change: c.925C>T on transcript NM_014476.6 (MANE Select); coding-DNA position 925, C replaced by T.
Protein change: p.Arg309Trp; replaces arginine 309 with tryptophan.
Molecular consequence: missense variant. On other transcripts: non-coding transcript variant (1).
Genome position (GRCh38, 1-based): chr4:185,502,464, G>A on the plus strand (C>T on the coding strand, the complement: PDLIM3 is on the minus strand). VCF-style: chr4-185502464-G-A. GRCh37 (hg19) VCF-style: chr4-186423618-G-A.
Other names: c.781C>T, p.Arg261Trp (NM_001114107.5); c.661C>T, p.Arg221Trp (NM_001257962.2); c.424C>T, p.Arg142Trp (NM_001257963.2); short protein forms R309W, R221W, R142W, R261W.
Identifiers: ClinVar variation 100860 (VCV000100860.2), dbSNP rs483352737, ClinGen allele CA229146.